The following is an entry in ClinVar:

NM_013254.4(TBK1):c.2139-11G>A

Gene: TBK1 (TANK binding kinase 1; plus strand). Cytogenetic location: 12q14.2.
Variant type: single nucleotide variant.
Coding change: c.2139-11G>A on transcript NM_013254.4 (MANE Select); 11 bases into the intron before coding-DNA position 2139, G replaced by A.
Molecular consequence: intron variant.
Genome position (GRCh38, 1-based): chr12:64,501,319, G>A. VCF-style: chr12-64501319-G-A. GRCh37 (hg19) VCF-style: chr12-64895099-G-A.
Identifiers: ClinVar variation 403523 (VCV000403523.19), dbSNP rs41292027, ClinGen allele CA6669277.

ClinVar aggregate classification (germline): Benign/Likely benign. Review status: criteria provided, multiple submitters, no conflicts (2 of 4 stars). 5 submissions from 5 submitters: Benign (3); Likely benign (2). Last evaluated 2026-02-02.

Conditions:
Frontotemporal dementia and/or amyotrophic lateral sclerosis 4. Also called: FTDALS4. Identifiers: Orphanet 275872, MedGen C4225325, MONDO:0014641, OMIM 616439.

Allele frequency attached by ClinVar (database versions not stated): 1000 Genomes Project 0.00679; 1000 Genomes Project 30x 0.00781; ESP Exome Variant Server 0.00792; gnomAD 0.00797 and 0.00800; TOPMed 0.00952; gnomAD exomes 0.01128 and 0.01363; ExAC 0.01249.
gnomAD v4.1: 17,560 of 1,612,904 alleles (1.1%); highest among the groups gnomAD compares: Admixed American, 3.4%; 159 homozygotes.

Submissions (32):

Labcorp Genetics (formerly Invitae), Labcorp
Classification: Benign for Frontotemporal dementia and/or amyotrophic lateral sclerosis 4. Last evaluated: 2026-02-02. Review status: criteria provided, single submitter. Criteria: Invitae Variant Classification Sherloc (09022015). Collection method: clinical testing. Allele origin: germline.

Women's Health and Genetics/Laboratory Corporation of America, LabCorp
Classification: Benign. Last evaluated: 2026-01-22. Review status: criteria provided, single submitter. Criteria: LabCorp Variant Classification Summary - May 2015. Collection method: clinical testing. Allele origin: germline.

GeneDx
Classification: Likely benign. Last evaluated: 2021-01-21. Review status: criteria provided, single submitter. Criteria: GeneDx Variant Classification Process June 2021. Collection method: clinical testing. Allele origin: germline. Affected: yes.

Laboratory for Molecular Medicine, Mass General Brigham Personalized Medicine
Classification: Benign. Last evaluated: 2016-03-29. Review status: criteria provided, single submitter. Criteria: LMM Criteria. Collection method: clinical testing. Allele origin: germline.
Comment: Variant identified in a genome or exome case(s) and assessed due to predicted null impact of the variant or pathogenic assertions in the literature or databases. Disclaimer: This variant has not undergone full assessment. The following are preliminary notes: Frequency

Breakthrough Genomics
Classification: Likely benign. Review status: criteria provided, single submitter. Criteria: ACMG Guidelines, 2015. Collection method: not provided. Allele origin: germline. Inheritance: Autosomal dominant inheritance. Affected: yes.

Dr. Peter K. Rogan Lab, Western University
No classification provided (evidence only). Condition: Clear cell carcinoma of kidney. Review status: no classification provided. Collection method: in vitro. Allele origin: not applicable. Functional consequence: retained intron. Not counted in ClinVar's aggregate classification.

Dr. Peter K. Rogan Lab, Western University
No classification provided (evidence only). Condition: Clear cell carcinoma of kidney. Review status: no classification provided. Collection method: in vitro. Allele origin: not applicable. Functional consequence: retained intron. Not counted in ClinVar's aggregate classification.

Dr. Peter K. Rogan Lab, Western University
No classification provided (evidence only). Condition: Clear cell carcinoma of kidney. Review status: no classification provided. Collection method: in vitro. Allele origin: not applicable. Functional consequence: retained intron. Not counted in ClinVar's aggregate classification.

Dr. Peter K. Rogan Lab, Western University
No classification provided (evidence only). Condition: Lung cancer. Review status: no classification provided. Collection method: in vitro. Allele origin: not applicable. Functional consequence: retained intron. Not counted in ClinVar's aggregate classification.

Dr. Peter K. Rogan Lab, Western University
No classification provided (evidence only). Condition: Lung cancer. Review status: no classification provided. Collection method: in vitro. Allele origin: not applicable. Functional consequence: retained intron. Not counted in ClinVar's aggregate classification.

Dr. Peter K. Rogan Lab, Western University
No classification provided (evidence only). Condition: Lung cancer. Review status: no classification provided. Collection method: in vitro. Allele origin: not applicable. Functional consequence: retained intron. Not counted in ClinVar's aggregate classification.

Dr. Peter K. Rogan Lab, Western University
No classification provided (evidence only). Condition: Lung cancer. Review status: no classification provided. Collection method: in vitro. Allele origin: not applicable. Functional consequence: retained intron. Not counted in ClinVar's aggregate classification.

Dr. Peter K. Rogan Lab, Western University
No classification provided (evidence only). Condition: Lung cancer. Review status: no classification provided. Collection method: in vitro. Allele origin: not applicable. Functional consequence: retained intron. Not counted in ClinVar's aggregate classification.

Dr. Peter K. Rogan Lab, Western University
No classification provided (evidence only). Condition: Acute myeloid leukemia. Review status: no classification provided. Collection method: in vitro. Allele origin: not applicable. Functional consequence: retained intron. Not counted in ClinVar's aggregate classification.

Dr. Peter K. Rogan Lab, Western University
No classification provided (evidence only). Condition: Acute myeloid leukemia. Review status: no classification provided. Collection method: in vitro. Allele origin: not applicable. Functional consequence: retained intron. Not counted in ClinVar's aggregate classification.

Dr. Peter K. Rogan Lab, Western University
No classification provided (evidence only). Condition: Acute myeloid leukemia. Review status: no classification provided. Collection method: in vitro. Allele origin: not applicable. Functional consequence: retained intron. Not counted in ClinVar's aggregate classification.

Dr. Peter K. Rogan Lab, Western University
No classification provided (evidence only). Condition: Acute myeloid leukemia. Review status: no classification provided. Collection method: in vitro. Allele origin: not applicable. Functional consequence: retained intron. Not counted in ClinVar's aggregate classification.

Dr. Peter K. Rogan Lab, Western University
No classification provided (evidence only). Condition: Cervical cancer. Review status: no classification provided. Collection method: in vitro. Allele origin: not applicable. Functional consequence: retained intron. Not counted in ClinVar's aggregate classification.

Dr. Peter K. Rogan Lab, Western University
No classification provided (evidence only). Condition: Cervical cancer. Review status: no classification provided. Collection method: in vitro. Allele origin: not applicable. Functional consequence: retained intron. Not counted in ClinVar's aggregate classification.

Dr. Peter K. Rogan Lab, Western University
No classification provided (evidence only). Condition: Cervical cancer. Review status: no classification provided. Collection method: in vitro. Allele origin: not applicable. Functional consequence: retained intron. Not counted in ClinVar's aggregate classification.

Dr. Peter K. Rogan Lab, Western University
No classification provided (evidence only). Condition: Cervical cancer. Review status: no classification provided. Collection method: in vitro. Allele origin: not applicable. Functional consequence: retained intron. Not counted in ClinVar's aggregate classification.

Dr. Peter K. Rogan Lab, Western University
No classification provided (evidence only). Condition: Sarcoma. Review status: no classification provided. Collection method: in vitro. Allele origin: not applicable. Functional consequence: retained intron. Not counted in ClinVar's aggregate classification.

Dr. Peter K. Rogan Lab, Western University
No classification provided (evidence only). Condition: Ovarian serous cystadenocarcinoma. Review status: no classification provided. Collection method: in vitro. Allele origin: not applicable. Functional consequence: retained intron. Not counted in ClinVar's aggregate classification.

Dr. Peter K. Rogan Lab, Western University
No classification provided (evidence only). Condition: Ovarian serous cystadenocarcinoma. Review status: no classification provided. Collection method: in vitro. Allele origin: not applicable. Functional consequence: retained intron. Not counted in ClinVar's aggregate classification.

Dr. Peter K. Rogan Lab, Western University
No classification provided (evidence only). Condition: Ovarian serous cystadenocarcinoma. Review status: no classification provided. Collection method: in vitro. Allele origin: not applicable. Functional consequence: retained intron. Not counted in ClinVar's aggregate classification.

Dr. Peter K. Rogan Lab, Western University
No classification provided (evidence only). Condition: Ovarian serous cystadenocarcinoma. Review status: no classification provided. Collection method: in vitro. Allele origin: not applicable. Functional consequence: retained intron. Not counted in ClinVar's aggregate classification.

Dr. Peter K. Rogan Lab, Western University
No classification provided (evidence only). Condition: Ovarian serous cystadenocarcinoma. Review status: no classification provided. Collection method: in vitro. Allele origin: not applicable. Functional consequence: retained intron. Not counted in ClinVar's aggregate classification.

Dr. Peter K. Rogan Lab, Western University
No classification provided (evidence only). Condition: Ovarian serous cystadenocarcinoma. Review status: no classification provided. Collection method: in vitro. Allele origin: not applicable. Functional consequence: retained intron. Not counted in ClinVar's aggregate classification.

Dr. Peter K. Rogan Lab, Western University
No classification provided (evidence only). Condition: Uterine carcinosarcoma. Review status: no classification provided. Collection method: in vitro. Allele origin: not applicable. Functional consequence: retained intron. Not counted in ClinVar's aggregate classification.

Dr. Peter K. Rogan Lab, Western University
No classification provided (evidence only). Condition: Uveal melanoma. Review status: no classification provided. Collection method: in vitro. Allele origin: not applicable. Functional consequence: retained intron. Not counted in ClinVar's aggregate classification.

Dr. Peter K. Rogan Lab, Western University
No classification provided (evidence only). Condition: Malignant tumor of esophagus. Review status: no classification provided. Collection method: in vitro. Allele origin: not applicable. Functional consequence: retained intron. Not counted in ClinVar's aggregate classification.

Dr. Peter K. Rogan Lab, Western University
No classification provided (evidence only). Condition: Malignant tumor of esophagus. Review status: no classification provided. Collection method: in vitro. Allele origin: not applicable. Functional consequence: retained intron. Not counted in ClinVar's aggregate classification.